The following is an entry in ClinVar:

ClinVar aggregate classification (germline): Uncertain significance (1 of 4 stars; one submission).

Conditions:
Inborn genetic diseases. Identifiers: MedGen C0950123, MeSH D030342.

Submission:

Ambry Genetics
Classification: Uncertain significance for Inborn genetic diseases. Last evaluated: 2021-11-02. Review status: criteria provided, single submitter. Criteria: Ambry Variant Classification Scheme 2023. Collection method: clinical testing. Allele origin: germline.
Comment: The p.H71N variant (also known as c.211C>A), located in coding exon 1 of the ANG gene, results from a C to A substitution at nucleotide position 211. The histidine at codon 71 is replaced by asparagine, an amino acid with similar properties. This amino acid position is conserved. In addition, the in silico prediction for this alteration is inconclusive. Since supporting evidence is limited at this time, the clinical significance of this alteration remains unclear.

NM_001097577.3(ANG):c.211C>A (p.His71Asn)

Genes: ANG (angiogenin; plus strand), EGILA (EGFR interacting lncRNA; minus strand), RNASE4 (ribonuclease A family member 4; plus strand). Cytogenetic location: 14q11.2.
Variant type: single nucleotide variant.
Coding change: c.211C>A on transcript NM_001097577.3 (MANE Select); coding-DNA position 211, C replaced by A.
Protein change: p.His71Asn; replaces histidine 71 with asparagine.
Molecular consequence: missense variant. On other transcripts: intron variant (4).
Genome position (GRCh38, 1-based): chr14:20,693,775, C>A. VCF-style: chr14-20693775-C-A. GRCh37 (hg19) VCF-style: chr14-21161934-C-A.
Other names: c.211C>A, p.His71Asn (NM_001145.4, NM_001385271.1, NM_001385272.1 and 2 more transcripts); c.-18+125C>A (NM_001282192.2); c.-17-5580C>A (NM_002937.5, NM_001282193.2); c.-18+4901C>A (NM_194431.3); short protein forms H71N.
Identifiers: ClinVar variation 1786220 (VCV001786220.2), dbSNP rs2502152135, ClinGen allele CA389115002.